The following is an entry in ClinVar:

ClinVar aggregate classification (germline): Uncertain significance (1 of 4 stars; one submission).

Conditions:
Epilepsy, familial focal, with variable foci 3 (FFEVF3). Identifiers: MedGen C4310708, MONDO:0014925, OMIM 617118.

Submission:

Labcorp Genetics (formerly Invitae), Labcorp
Classification: Uncertain significance for Epilepsy, familial focal, with variable foci 3. Last evaluated: 2022-02-07. Review status: criteria provided, single submitter. Criteria: Invitae Variant Classification Sherloc (09022015). Collection method: clinical testing. Allele origin: germline.
Comment: This sequence change falls in intron 2 of the NPRL3 gene. It does not directly change the encoded amino acid sequence of the NPRL3 protein. It affects a nucleotide within the consensus splice site. This variant is not present in population databases (gnomAD no frequency). This variant has not been reported in the literature in individuals affected with NPRL3-related conditions. ClinVar contains an entry for this variant (Variation ID: 862064). Variants that disrupt the consensus splice site are a relatively common cause of aberrant splicing (PMID: 17576681, 9536098). Experimental studies and prediction algorithms are not available or were not evaluated, and the effect of this variant on mRNA splicing is currently unknown. In summary, the available evidence is currently insufficient to determine the role of this variant in disease. Therefore, it has been classified as a Variant of Uncertain Significance.

Literature cited by the submitters: PubMed 17576681; PubMed 9536098.

NM_001077350.3(NPRL3):c.119-3C>G

Genes: HBA-LCR (alpha-globin locus control region; plus strand), NPRL3 (NPR3 like, GATOR1 complex subunit; minus strand). Cytogenetic location: 16p13.3.
Variant type: single nucleotide variant.
Coding change: c.119-3C>G on transcript NM_001077350.3 (MANE Select); 3 bases into the intron before coding-DNA position 119, C replaced by G.
Molecular consequence: intron variant.
Genome position (GRCh38, 1-based): chr16:130,594, G>C on the plus strand (C>G on the coding strand, the complement: NPRL3 is on the minus strand). VCF-style: chr16-130594-G-C. GRCh37 (hg19) VCF-style: chr16-180593-G-C.
Other names: c.-253-3C>G (NM_001243247.2); c.119-3C>G (NM_001243248.2, NM_001243249.2); c.-214-3C>G (NM_001039476.3).
Identifiers: ClinVar variation 862064 (VCV000862064.9), dbSNP rs1900744785, ClinGen allele CA916083460.